The following is an entry in ClinVar:

ClinVar aggregate classification (germline): Uncertain significance (1 of 4 stars; one submission).

Allele frequency attached by ClinVar (database versions not stated): gnomAD 0.00001; gnomAD exomes 0.00001; ExAC 0.00002.
gnomAD v4.1: 14 of 1,611,214 alleles (0.00087%); highest among the groups gnomAD compares: South Asian, 0.0033%; no homozygotes.

Submission:

Labcorp Genetics (formerly Invitae), Labcorp
Classification: Uncertain significance. Last evaluated: 2024-06-23. Review status: criteria provided, single submitter. Criteria: Invitae Variant Classification Sherloc (09022015). Collection method: clinical testing. Allele origin: germline.
Comment: This sequence change replaces arginine, which is basic and polar, with cysteine, which is neutral and slightly polar, at codon 556 of the BMP1 protein (p.Arg556Cys). This variant is present in population databases (rs754511787, gnomAD 0.004%). This variant has not been reported in the literature in individuals affected with BMP1-related conditions. ClinVar contains an entry for this variant (Variation ID: 1905566). Advanced modeling of protein sequence and biophysical properties (such as structural, functional, and spatial information, amino acid conservation, physicochemical variation, residue mobility, and thermodynamic stability) performed at Invitae indicates that this missense variant is not expected to disrupt BMP1 protein function with a negative predictive value of 80%. In summary, the available evidence is currently insufficient to determine the role of this variant in disease. Therefore, it has been classified as a Variant of Uncertain Significance.

NM_006129.5(BMP1):c.1666C>T (p.Arg556Cys)

Genes: BMP1 (bone morphogenetic protein 1; plus strand), LOC113788269 (BRD4-independent group 4 enhancer GRCh37_chr8:22052064-22053263; plus strand). Cytogenetic location: 8p21.3.
Variant type: single nucleotide variant.
Coding change: c.1666C>T on transcript NM_006129.5 (MANE Select); coding-DNA position 1666, C replaced by T.
Protein change: p.Arg556Cys; replaces arginine 556 with cysteine.
Molecular consequence: missense variant. On other transcripts: non-coding transcript variant (2).
Genome position (GRCh38, 1-based): chr8:22,195,488, C>T. VCF-style: chr8-22195488-C-T. GRCh37 (hg19) VCF-style: chr8-22053001-C-T.
Other names: c.1666C>T, p.Arg556Cys (NM_001199.4); short protein forms R556C.
Identifiers: ClinVar variation 1905566 (VCV001905566.4), dbSNP rs754511787, ClinGen allele CA4664755.